The following is an entry in ClinVar:

NM_001401501.2(MUC16):c.39328G>A (p.Gly13110Ser)

Gene: MUC16 (mucin 16, cell surface associated; minus strand). Cytogenetic location: 19p13.2.
Variant type: single nucleotide variant.
Coding change: c.39328G>A on transcript NM_001401501.2 (MANE Select); coding-DNA position 39328, G replaced by A.
Protein change: p.Gly13110Ser; replaces glycine 13110 with serine.
Molecular consequence: missense variant.
Genome position (GRCh38, 1-based): chr19:8,898,655, C>T on the plus strand (G>A on the coding strand, the complement: MUC16 is on the minus strand). VCF-style: chr19-8898655-C-T. GRCh37 (hg19) VCF-style: chr19-9009331-C-T.
Other names: c.39754G>A, p.Gly13252Ser (NM_001414686.1); c.39208G>A, p.Gly13070Ser (NM_001414687.1); c.39142G>A, p.Gly13048Ser (NM_024690.2); short protein forms G13048S, G13070S, G13110S, G13252S.
Identifiers: ClinVar variation 3037255 (VCV003037255.2), dbSNP rs376668718, ClinGen allele CA9164175.

ClinVar aggregate classification (germline): Benign (0 of 4 stars; one submission).

Conditions:
MUC16-related disorder. Also called: MUC16-related condition.

Allele frequency attached by ClinVar (database versions not stated): ExAC 0.00041; 1000 Genomes Project 30x 0.40147.

Submission:

PreventionGenetics, part of Exact Sciences
Classification: Benign for MUC16-related condition. Last evaluated: 2019-02-19. Review status: no assertion criteria provided. Collection method: clinical testing. Allele origin: germline.
Comment: This variant is classified as benign based on ACMG/AMP sequence variant interpretation guidelines (Richards et al. 2015 PMID: 25741868, with internal and published modifications).